The following is an entry in ClinVar:

NM_000718.4(CACNA1B):c.-7G>T

Genes: CACNA1B (calcium voltage-gated channel subunit alpha1 B; plus strand), CACNA1B-AS2 (CACNA1B antisense RNA 2; minus strand). Cytogenetic location: 9q34.3.
Variant type: single nucleotide variant.
Coding change: c.-7G>T on transcript NM_000718.4 (MANE Select); 7 bases upstream of the start codon, G replaced by T.
Molecular consequence: 5 prime UTR variant.
Genome position (GRCh38, 1-based): chr9:137,877,927, G>T. VCF-style: chr9-137877927-G-T. GRCh37 (hg19) VCF-style: chr9-140772379-G-T.
Other names: c.-7G>T (NM_001243812.2).
Identifiers: ClinVar variation 3029672 (VCV003029672.2), dbSNP rs1291849966, ClinGen allele CA591258515.

ClinVar aggregate classification (germline): Likely benign (0 of 4 stars; one submission).

Conditions:
CACNA1B-related disorder. Also called: CACNA1B-related condition.

Allele frequency attached by ClinVar (database versions not stated): gnomAD 0.00001; TOPMed 0.00002.

Submission:

PreventionGenetics, part of Exact Sciences
Classification: Likely benign for CACNA1B-related condition. Last evaluated: 2022-08-08. Review status: no assertion criteria provided. Collection method: clinical testing. Allele origin: germline.
Comment: This variant is classified as likely benign based on ACMG/AMP sequence variant interpretation guidelines (Richards et al. 2015 PMID: 25741868, with internal and published modifications).